The following is an entry in ClinVar:

ClinVar aggregate classification (germline): Uncertain significance (1 of 4 stars; one submission).

Allele frequency attached by ClinVar (database versions not stated): ExAC 0.00001; gnomAD 0.00001; gnomAD exomes 0.00001; TOPMed 0.00002.
gnomAD v4.1: 4 of 1,613,868 alleles (0.00025%); highest among the groups gnomAD compares: Admixed American, 0.0067%; no homozygotes.

Submission:

Labcorp Genetics (formerly Invitae), Labcorp
Classification: Uncertain significance. Last evaluated: 2022-02-03. Review status: criteria provided, single submitter. Criteria: Invitae Variant Classification Sherloc (09022015). Collection method: clinical testing. Allele origin: germline.
Comment: This sequence change replaces glutamic acid, which is acidic and polar, with lysine, which is basic and polar, at codon 1688 of the CCDC88A protein (p.Glu1688Lys). This variant is present in population databases (rs778068988, gnomAD 0.009%). This variant has not been reported in the literature in individuals affected with CCDC88A-related conditions. Algorithms developed to predict the effect of missense changes on protein structure and function are either unavailable or do not agree on the potential impact of this missense change (SIFT: "Deleterious"; PolyPhen-2: "Probably Damaging"; Align-GVGD: "Class C0"). In summary, the available evidence is currently insufficient to determine the role of this variant in disease. Therefore, it has been classified as a Variant of Uncertain Significance.

NM_001365480.1(CCDC88A):c.5065G>A (p.Glu1689Lys)

Gene: CCDC88A (coiled-coil domain containing 88A; minus strand). Cytogenetic location: 2p16.1.
Variant type: single nucleotide variant.
Coding change: c.5065G>A on transcript NM_001365480.1 (MANE Select); coding-DNA position 5065, G replaced by A.
Protein change: p.Glu1689Lys; replaces glutamic acid 1689 with lysine.
Molecular consequence: missense variant.
Genome position (GRCh38, 1-based): chr2:55,296,284, C>T on the plus strand (G>A on the coding strand, the complement: CCDC88A is on the minus strand). VCF-style: chr2-55296284-C-T. GRCh37 (hg19) VCF-style: chr2-55523420-C-T.
Other names: c.5062G>A, p.Glu1688Lys (NM_001135597.2, NM_001254943.2); c.4981G>A, p.Glu1661Lys (NM_018084.5); short protein forms E1661K, E1688K, E1689K.
Identifiers: ClinVar variation 1959807 (VCV001959807.2), dbSNP rs778068988, ClinGen allele CA1665413.